The following is an entry in ClinVar:

ClinVar aggregate classification (germline): Uncertain significance (1 of 4 stars; one submission).

Submission:

Women's Health and Genetics/Laboratory Corporation of America, LabCorp
Classification: Uncertain significance. Last evaluated: 2025-03-26. Review status: criteria provided, single submitter. Criteria: LabCorp Variant Classification Summary - May 2015. Collection method: clinical testing. Allele origin: germline.
Comment: Variant summary: The variant involves the duplication of the entire PROP1 gene involving exons 1-3. A presumed nomenclature of c.(?_-310)_(*475_?)dup has been designated for the purposes of this classification. This duplication includes the entire coding sequence of the gene. As exact breakpoints are unknown, it may extend beyond the annotated region of the gene, to include other flanking genes. The variant allele was found at a frequency of 9.2e-05 in 21690 control chromosomes. The available data on variant occurrences in the general population are insufficient to allow any conclusion about variant significance. To our knowledge, no occurrence of c.(?_-310)_(*475_?)dup in individuals affected with Combined Pituitary Hormone Deficiency 2 and no experimental evidence demonstrating its impact on protein function have been reported. ClinVar contains an entry for this variant (Variation ID: 3339206). Based on the evidence outlined above, the variant was classified as uncertain significance.

NC_000005.9:g.(?_177419235)_(177423244_?)dup

Gene: PROP1 (PROP paired-like homeobox 1; minus strand). Cytogenetic location: 5q35.3.
Variant type: Duplication.
Identifiers: ClinVar variation 3339206 (VCV003339206.2).